The following is an entry in ClinVar:

ClinVar aggregate classification (germline): Pathogenic (1 of 4 stars; one submission).

Conditions:
Glanzmann thrombasthenia. Also called: PLATELET GLYCOPROTEIN IIb-IIIa DEFICIENCY; BLEEDING DISORDER, PLATELET-TYPE, 2; THROMBASTHENIA OF GLANZMANN AND NAEGELI; Glanzmann's thrombasthenia; Thrombasthenia. Identifiers: Orphanet 849, MedGen C0040015, MONDO:0100326.

Submission:

Labcorp Genetics (formerly Invitae), Labcorp
Classification: Pathogenic for Glanzmann thrombasthenia. Last evaluated: 2024-12-02. Review status: criteria provided, single submitter. Criteria: Invitae Variant Classification Sherloc (09022015). Collection method: clinical testing. Allele origin: germline.
Comment: This sequence change creates a premature translational stop signal (p.Gly224Valfs*155) in the ITGA2B gene. It is expected to result in an absent or disrupted protein product. Loss-of-function variants in ITGA2B are known to be pathogenic (PMID: 21917754). This variant is not present in population databases (gnomAD no frequency). This variant has not been reported in the literature in individuals affected with ITGA2B-related conditions. Algorithms developed to predict the effect of sequence changes on RNA splicing suggest that this variant may disrupt the consensus splice site. For these reasons, this variant has been classified as Pathogenic.

Literature cited by the submitters: PubMed 21917754.

NC_000017.11:g.44385077del

Gene: ITGA2B (integrin subunit alpha 2b; minus strand). Cytogenetic location: 17q21.31.
Variant type: Deletion.
Genome position: GRCh38 VCF-style: chr17-44385075-AC-A. GRCh37 (hg19) VCF-style: chr17-42462443-AC-A.
Identifiers: ClinVar variation 3652564 (VCV003652564.2).